The following is an entry in ClinVar:

NM_000492.4(CFTR):c.3367+238_3367+259del

Genes: CFTR (CF transmembrane conductance regulator; plus strand), CFTR-AS2 (CFTR antisense RNA 2; minus strand), LOC111674472 (DNase I hypersensitive sites in introns 16 and 17a of CFTR; plus strand). Cytogenetic location: 7q31.2.
Variant type: Deletion.
Coding change: c.3367+238_3367+259del on transcript NM_000492.4 (MANE Select); bases 238 to 259 of the intron after coding-DNA position 3367, 22 bases deleted (TATATATACATATATATATATA).
Molecular consequence: intron variant.
Genome position (GRCh38, 1-based): chr7:117,612,046-117,612,067, TATATATACATATATATATATA deleted; deleting any 22 consecutive bases within chr7:117,612,033-117,612,067 gives the same sequence; the c. name uses the placement nearest the transcript's 3' end. VCF-style (leftmost placement, unchanged base first): chr7-117612032-TATATATATATATATATATATAC-T. GRCh37 (hg19) VCF-style: chr7-117252086-TATATATATATATATATATATAC-T.
Identifiers: ClinVar variation 928726 (VCV000928726.1), dbSNP rs1283255059, ClinGen allele CA577222682.

ClinVar aggregate classification (germline): Uncertain significance (1 of 4 stars; one submission).

Submission:

Women's Health and Genetics/Laboratory Corporation of America, LabCorp
Classification: Uncertain significance. Last evaluated: 2019-02-20. Review status: criteria provided, single submitter. Criteria: LabCorp Variant Classification Summary - May 2015. Collection method: clinical testing. Allele origin: germline.
Comment: Variant summary: CFTR c.3367+238_3367+259del22 is located at a position not widely known to affect splicing. 5/5 computational tools predict no significant impact on normal splicing. However, these predictions have yet to be confirmed by functional studies. The variant allele was found at a frequency of 0.00064 in 15504 control chromosomes in the gnomAD database, including 1 homozygote. This frequency is not significantly higher than expected for a pathogenic variant in CFTR causing Cystic Fibrosis (0.00064 vs 0.013), allowing no conclusion about variant significance. To our knowledge, no occurrence of c.3367+238_3367+259del22 in individuals affected with Cystic Fibrosis and no experimental evidence demonstrating its impact on protein function have been reported. No clinical diagnostic laboratories have submitted clinical-significance assessments for this variant to ClinVar after 2014. Based on the evidence outlined above, the variant was classified as uncertain significance.